The following is an entry in ClinVar:

ClinVar aggregate classification (germline): Likely benign. Review status: criteria provided, multiple submitters, no conflicts (2 of 4 stars). 2 submissions from 2 submitters: Likely benign (2). Last evaluated 2025-07-23.

Conditions:
Autosomal recessive limb-girdle muscular dystrophy type 2J (LGMDR10). Also called: Limb-girdle muscular dystrophy, type 2J; MUSCULAR DYSTROPHY, LIMB-GIRDLE, AUTOSOMAL RECESSIVE 10. Identifiers: Orphanet 140922, MedGen C1837342, MONDO:0012127, OMIM 608807.
Dilated cardiomyopathy 1G (CMD1G). Identifiers: Orphanet 154, MedGen C1858763, MONDO:0011400, OMIM 604145.

Allele frequency attached by ClinVar (database versions not stated): gnomAD exomes below 0.00001; gnomAD 0.00001.
gnomAD v4.1: 4 of 1,613,548 alleles (0.00025%); highest among the groups gnomAD compares: Admixed American, 0.0017%; no homozygotes.

Submissions (2):

Labcorp Genetics (formerly Invitae), Labcorp
Classification: Likely benign for Dilated cardiomyopathy 1G; Autosomal recessive limb-girdle muscular dystrophy type 2J. Last evaluated: 2025-07-23. Review status: criteria provided, single submitter. Criteria: Invitae Variant Classification Sherloc (09022015). Collection method: clinical testing. Allele origin: germline.

CeGaT Center for Human Genetics Tuebingen
Classification: Likely benign. Last evaluated: 2024-11-01. Review status: criteria provided, single submitter. Criteria: CeGaT Center For Human Genetics Tuebingen Variant Classification Criteria Version 2. Collection method: clinical testing. Allele origin: germline. Affected: yes. Observed: 1 variant allele.
Comment: TTN: BP4, BP7

NM_001267550.2(TTN):c.71676A>T (p.Thr23892=)

Genes: TTN (titin; minus strand), TTN-AS1 (TTN antisense RNA 1; plus strand). Cytogenetic location: 2q31.2.
Variant type: single nucleotide variant.
Coding change: c.71676A>T on transcript NM_001267550.2 (MANE Select); coding-DNA position 71676, A replaced by T.
Protein change: p.Thr23892=; no amino-acid change (threonine 23892 retained).
Molecular consequence: synonymous variant.
Genome position (GRCh38, 1-based): chr2:178,574,456, T>A on the plus strand (A>T on the coding strand, the complement: TTN is on the minus strand). VCF-style: chr2-178574456-T-A. GRCh37 (hg19) VCF-style: chr2-179439183-T-A.
Other names: c.66753A>T, p.Thr22251= (NM_001256850.1); c.44481A>T, p.Thr14827= (NM_003319.4); c.63972A>T, p.Thr21324= (NM_133378.4); c.44856A>T, p.Thr14952= (NM_133432.3); c.45057A>T, p.Thr15019= (NM_133437.4).
Identifiers: ClinVar variation 1586147 (VCV001586147.22), dbSNP rs1192063005, ClinGen allele CA430257530.